The following is an entry in ClinVar:

NM_003797.5(EED):c.198A>G (p.Lys66=)

Gene: EED (embryonic ectoderm development; plus strand). Cytogenetic location: 11q14.2.
Variant type: single nucleotide variant.
Coding change: c.198A>G on transcript NM_003797.5 (MANE Select); coding-DNA position 198, A replaced by G.
Protein change: p.Lys66=; no amino-acid change (lysine 66 retained).
Molecular consequence: synonymous variant.
Genome position (GRCh38, 1-based): chr11:86,250,379, A>G. VCF-style: chr11-86250379-A-G. GRCh37 (hg19) VCF-style: chr11-85961421-A-G.
Other names: c.198A>G, p.Lys66= (NM_001308007.2, NM_001330334.2).
Identifiers: ClinVar variation 544590 (VCV000544590.26), dbSNP rs182106684, ClinGen allele CA6216354.
Genomic context (GRCh38, chr11:86,250,379, plus strand): 5'-TGGTACAAACACTGAACGCCCTGATACACCTACAAACACGCCAAATGCACCTGGAAGGAA[A>G]AGTTGGGGAAAGGGAAAATGGAAGTCAAAGAAATGCAAATATTCTTTCAAATGTGTAAAT-3'
Protein context (NP_003788.2, residues 56-76): PTNTPNAPGR[Lys66=]SWGKGKWKSK

ClinVar aggregate classification (germline): Likely benign. Review status: criteria provided, multiple submitters, no conflicts (2 of 4 stars). 2 submissions from 2 submitters: Likely benign (2). Last evaluated 2023-12-01.

Conditions:
Cohen-Gibson syndrome (COGIS). Also called: EED-Related Overgrowth. Identifiers: Orphanet 659396, MedGen C4479654, MONDO:0060510, OMIM 617561.

Allele frequency attached by ClinVar (database versions not stated): gnomAD 0.00009 and 0.00007; gnomAD exomes 0.00009 and 0.00004; 1000 Genomes Project 30x 0.00031; 1000 Genomes Project 0.00040; ESP Exome Variant Server 0.00008; TOPMed 0.00008; ExAC 0.00009.
gnomAD v4.1: 73 of 1,608,864 alleles (0.0045%); highest among the groups gnomAD compares: Middle Eastern, 0.017%; no homozygotes.

Submissions (2):

CeGaT Center for Human Genetics Tuebingen
Classification: Likely benign. Last evaluated: 2023-12-01. Review status: criteria provided, single submitter. Criteria: CeGaT Center For Human Genetics Tuebingen Variant Classification Criteria Version 2. Collection method: clinical testing. Allele origin: germline. Affected: yes. Observed: 1 variant allele.
Comment: EED: BP4, BP7

Labcorp Genetics (formerly Invitae), Labcorp
Classification: Likely benign for Cohen-Gibson syndrome. Last evaluated: 2017-12-22. Review status: criteria provided, single submitter. Criteria: Invitae Variant Classification Sherloc (09022015). Collection method: clinical testing. Allele origin: germline.